The following is an entry in ClinVar:

ClinVar aggregate classification (germline): Likely pathogenic. Review status: criteria provided, single submitter (1 of 4 stars). 2 submissions from 2 submitters: Likely pathogenic (1). 1 of the submissions does not count toward it. Last evaluated 2024-04-08.

Conditions:
Hereditary cancer-predisposing syndrome. Also called: Tumor predisposition; Hereditary neoplastic syndrome; Neoplastic Syndromes, Hereditary; Hereditary Cancer Syndrome. Identifiers: Orphanet 140162, MedGen C0027672, MeSH D009386, MONDO:0015356.
Von Hippel-Lindau syndrome (VHLS). Also called: Von Hippel-Lindau; von Hippel–Lindau syndrome; VHL syndrome. Identifiers: Orphanet 892, MedGen C0019562, MONDO:0008667, OMIM 193300. Disease mechanism: loss of function.

Submissions (2):

Ambry Genetics
Classification: Likely pathogenic for Hereditary cancer-predisposing syndrome. Last evaluated: 2024-04-08. Review status: criteria provided, single submitter. Criteria: Ambry Variant Classification Scheme 2023. Collection method: clinical testing. Allele origin: germline.
Comment: The p.N78Y variant (also known as c.232A>T), located in coding exon 1 of the VHL gene, results from an A to T substitution at nucleotide position 232. The asparagine at codon 78 is replaced by tyrosine, an amino acid with dissimilar properties. Further, the effect of p.Asn78Tyr on VHL protein structure was assessed using molecular modeling, and was predicted to cause destabilization and partial or global misfolding of the protein (Losonczy G et al. BMC Med. Genet., 2013 Jan;14:3). In silico modeling of this alteration also predicted that p.N78Y would have increased aggregation compared to wildtype (Le Goff X et al. J. Cell. Sci., 2016 Jul;129:2638-50). In addition, a different alteration at this position, p.N78S, has been reported in multiple VHL families, as well as in patients with VHL and no family history of the disease (Chen et al. Hum Mut. 1995; 5(1): 66-75; Zbar et al. Hum Mut. 1996 8:348-357; Cybulski et al. J Med Genet. 2002 Jul;39(7):E38; Zhang et al. J Cancer Res Clin Oncol. 2008 Nov;134(11):1211-8; Siu et al. Chin Med J (Engl). 2011 Jan;124(2):237-41). This amino acid position is highly conserved in available vertebrate species. In addition, this alteration is predicted to be deleterious by in silico analysis. Based on the majority of available evidence to date, this variant is likely to be pathogenic.

Genomic Diagnostic Laboratory, Division of Genomic Diagnostics, Children's Hospital of Philadelphia
Classification: Likely pathogenic for Von Hippel-Lindau syndrome. Last evaluated: 2016-02-26. Review status: no assertion criteria provided. Collection method: clinical testing. Allele origin: germline. Affected: yes. Observed: 1 variant allele. Not counted in ClinVar's aggregate classification.

Literature cited by the submitters: PubMed 23298237 (cited by Ambry Genetics); PubMed 27179072 (cited by Ambry Genetics).

NM_000551.4(VHL):c.232A>T (p.Asn78Tyr)

Gene: VHL (von Hippel-Lindau tumor suppressor; plus strand). Cytogenetic location: 3p25.3.
Variant type: single nucleotide variant.
Coding change: c.232A>T on transcript NM_000551.4 (MANE Select); coding-DNA position 232, A replaced by T.
Protein change: p.Asn78Tyr; replaces asparagine 78 with tyrosine.
Molecular consequence: missense variant.
Genome position (GRCh38, 1-based): chr3:10,142,079, A>T. VCF-style: chr3-10142079-A-T. GRCh37 (hg19) VCF-style: chr3-10183763-A-T.
Other names: c.232A>T, p.Asn78Tyr (NM_001354723.2, NM_198156.3); short protein forms N78Y.
Identifiers: ClinVar variation 223167 (VCV000223167.6), dbSNP rs869025621, ClinGen allele CA357056.